The following is an entry in ClinVar:

ClinVar aggregate classification (germline): Benign (1 of 4 stars; one submission).

Allele frequency attached by ClinVar (database versions not stated): 1000 Genomes Project 30x 0.09322; 1000 Genomes Project 0.09445; TOPMed 0.12435; gnomAD 0.13470.

Submission:

GeneDx
Classification: Benign. Last evaluated: 2018-06-14. Review status: criteria provided, single submitter. Criteria: GeneDx Variant Classification (06012015). Collection method: clinical testing. Allele origin: germline. Affected: yes.
Comment: This variant is considered likely benign or benign based on one or more of the following criteria: it is a conservative change, it occurs at a poorly conserved position in the protein, it is predicted to be benign by multiple in silico algorithms, and/or has population frequency not consistent with disease.

NM_001851.6(COL9A1):c.1395+239A>G

Gene: COL9A1 (collagen type IX alpha 1 chain; minus strand). Cytogenetic location: 6q13.
Variant type: single nucleotide variant.
Coding change: c.1395+239A>G on transcript NM_001851.6 (MANE Select); 239 bases into the intron after coding-DNA position 1395, A replaced by G.
Molecular consequence: intron variant.
Genome position (GRCh38, 1-based): chr6:70,263,005, T>C on the plus strand (A>G on the coding strand, the complement: COL9A1 is on the minus strand). VCF-style: chr6-70263005-T-C. GRCh37 (hg19) VCF-style: chr6-70972708-T-C.
Other names: c.666+239A>G (NM_001377290.1, NM_078485.4, NM_001377289.1).
Identifiers: ClinVar variation 677939 (VCV000677939.1), dbSNP rs10945209, ClinGen allele CA16268447.
Genomic context (GRCh38, chr6:70,263,005, plus strand): 5'-GTATCATCCTTTTGTGCTTAGTATTTGCTTTTCAATTGCCTGGCCCTGAAATCTGGTAAA[T>C]GAATGTATGTAAATTATAGGTAGAATTTTTCTGTTAAAAAAGTGCTAGAATATATAATGA-3'